The following is an entry in ClinVar:

NM_004453.4(ETFDH):c.1573A>C (p.Ser525Arg)

Gene: ETFDH (electron transfer flavoprotein dehydrogenase; plus strand). Cytogenetic location: 4q32.1.
Variant type: single nucleotide variant.
Coding change: c.1573A>C on transcript NM_004453.4 (MANE Select); coding-DNA position 1573, A replaced by C.
Protein change: p.Ser525Arg; replaces serine 525 with arginine.
Molecular consequence: missense variant.
Genome position (GRCh38, 1-based): chr4:158,706,733, A>C. VCF-style: chr4-158706733-A-C. GRCh37 (hg19) VCF-style: chr4-159627885-A-C.
Other names: c.1432A>C, p.Ser478Arg (NM_001281737.2); c.1390A>C, p.Ser464Arg (NM_001281738.1); short protein forms S464R, S478R, S525R.
Identifiers: ClinVar variation 1705726 (VCV001705726.2), dbSNP rs2476735421, ClinGen allele CA358564887.

ClinVar aggregate classification (germline): Conflicting classifications of pathogenicity. Review status: criteria provided, conflicting classifications (1 of 4 stars). 2 submissions from 2 submitters: Likely pathogenic (1); Uncertain significance (1). Last evaluated 2026-03-09.

Conditions:
Multiple acyl-CoA dehydrogenase deficiency (MADD). Also called: Glutaric acidemia type II; GA 2; ETHYLMALONIC-ADIPICACIDURIA; GA II; Glutaric Acidemia type 2; Glutaric aciduria, type 2. Identifiers: Orphanet 26791, MedGen C0268596, MONDO:0009282, OMIM 231680.

Submissions (2):

Centro de Investigaciones en Bioquimica Clinica e Inmunologia, Consejo Nacional de Investigaciones Científicas y Técnicas
Classification: Likely pathogenic for Multiple acyl-CoA dehydrogenase deficiency. Last evaluated: 2026-03-09. Review status: criteria provided, single submitter. Criteria: ACMG Guidelines, 2015. Collection method: research. Allele origin: germline. Inheritance: Autosomal recessive inheritance. Affected: yes. Observed: 1 variant allele.
Comment: The variant is absent from the gnomAD population database (PM2_Supporting). Multiple lines of computational evidence support a deleterious effect on the gene product based on the meta-predictor REVEL (score = 0.96; PP3_Strong). Furthermore, the patient’s phenotype is highly specific for a disease known to be associated with variants in this gene (PP4). Considering the available evidence, the variant is classified as Likely Pathogenic.

3billion
Classification: Uncertain significance for Multiple acyl-CoA dehydrogenase deficiency. Last evaluated: 2022-09-01. Review status: criteria provided, single submitter. Criteria: ACMG Guidelines, 2015. Collection method: clinical testing. Allele origin: germline. Affected: yes. Observed: 1 heterozygote.
Comment: The variant is not observed in the gnomAD v2.1.1 dataset. Missense changes are a common disease-causing mechanism. In silico tool predictions suggest damaging effect of the variant on gene or gene product (REVEL: 0.96; 3Cnet: 0.88). However, the evidence of pathogenicity is insufficient at this time. Therefore, this variant is classified as uncertain significance according to the recommendation of ACMG/AMP guideline.